The following is an entry in ClinVar:

NM_000170.3(GLDC):c.885C>G (p.Asp295Glu)

Gene: GLDC (glycine decarboxylase; minus strand). Cytogenetic location: 9p24.1.
Variant type: single nucleotide variant.
Coding change: c.885C>G on transcript NM_000170.3 (MANE Select); coding-DNA position 885, C replaced by G.
Protein change: p.Asp295Glu; replaces aspartic acid 295 with glutamic acid.
Molecular consequence: missense variant.
Genome position (GRCh38, 1-based): chr9:6,604,761, G>C on the plus strand (C>G on the coding strand, the complement: GLDC is on the minus strand). VCF-style: chr9-6604761-G-C. GRCh37 (hg19) VCF-style: chr9-6604761-G-C.
Other names: short protein forms D295E.
Identifiers: ClinVar variation 2140890 (VCV002140890.1), dbSNP rs1424489267, ClinGen allele CA372896006.

ClinVar aggregate classification (germline): Uncertain significance (1 of 4 stars; one submission).

Conditions:
Glycine encephalopathy. Also called: Non-ketotic hyperglycinemia; Nonketotic hyperglycinemia. Identifiers: Orphanet 407, MedGen C0751748, MONDO:0011612, HP:0008288.

Allele frequency attached by ClinVar (database versions not stated): TOPMed 0.00001.
gnomAD v4.1: 7 of 1,613,932 alleles (0.00043%); highest among the groups gnomAD compares: African/African-American, 0.0013%; no homozygotes.

Submission:

Labcorp Genetics (formerly Invitae), Labcorp
Classification: Uncertain significance for Glycine encephalopathy. Last evaluated: 2022-05-19. Review status: criteria provided, single submitter. Criteria: Invitae Variant Classification Sherloc (09022015). Collection method: clinical testing. Allele origin: germline.
Comment: This sequence change replaces aspartic acid, which is acidic and polar, with glutamic acid, which is acidic and polar, at codon 295 of the GLDC protein (p.Asp295Glu). This variant is present in population databases (no rsID available, gnomAD 0.002%). This variant has not been reported in the literature in individuals affected with GLDC-related conditions. Advanced modeling of protein sequence and biophysical properties (such as structural, functional, and spatial information, amino acid conservation, physicochemical variation, residue mobility, and thermodynamic stability) performed at Invitae indicates that this missense variant is expected to disrupt GLDC protein function. In summary, the available evidence is currently insufficient to determine the role of this variant in disease. Therefore, it has been classified as a Variant of Uncertain Significance.